The following is an entry in ClinVar:

NM_001127511.3(APC):c.78C>G (p.Ser26Arg)

Gene: APC (APC regulator of Wnt signaling pathway; plus strand). Cytogenetic location: 5q22.2.
Variant type: single nucleotide variant.
Coding change: c.78C>G on transcript NM_001127511.3; coding-DNA position 78, C replaced by G.
Protein change: p.Ser26Arg; replaces serine 26 with arginine.
Molecular consequence: missense variant. On other transcripts: intron variant (5), 5 prime UTR variant (8), non-coding transcript variant (1).
Genome position (GRCh38, 1-based): chr5:112,707,795, C>G. VCF-style: chr5-112707795-C-G. GRCh37 (hg19) VCF-style: chr5-112043492-C-G.
Other names: c.-19+146C>G (NM_001407448.1, NM_001407450.1, NM_001407457.1 and 1 more transcripts); c.-43+146C>G (NM_001407453.1); c.78C>G, p.Ser26Arg (NM_001407446.1, NM_001354897.2, NM_001354902.2); c.-106C>G (NM_001407447.1, NM_001407452.1, NM_001407456.1 and 3 more transcripts); c.-1141C>G (NM_001407470.1, NM_001407472.1); short protein forms S26R.
Identifiers: ClinVar variation 1056172 (VCV001056172.8), dbSNP rs113782655, ClinGen allele CA360611883.

ClinVar aggregate classification (germline): Uncertain significance (1 of 4 stars; one submission).

Conditions:
Familial adenomatous polyposis 1 (FAP1). Also called: FAMILIAL ADENOMATOUS POLYPOSIS 1, ATTENUATED; POLYPOSIS, ADENOMATOUS INTESTINAL. Identifiers: MedGen C2713442, MONDO:0021056, OMIM 175100. Disease mechanism: loss of function.

Submission:

Labcorp Genetics (formerly Invitae), Labcorp
Classification: Uncertain significance for Familial adenomatous polyposis 1. Last evaluated: 2024-07-01. Review status: criteria provided, single submitter. Criteria: Invitae Variant Classification Sherloc (09022015). Collection method: clinical testing. Allele origin: germline.
Comment: This variant occurs in a non-coding region of the APC gene. It does not change the encoded amino acid sequence of the APC protein. This variant is not present in population databases (gnomAD no frequency). This variant has not been reported in the literature in individuals affected with APC-related conditions. Experimental studies and prediction algorithms are not available or were not evaluated, and the functional significance of this variant is currently unknown. In summary, the available evidence is currently insufficient to determine the role of this variant in disease. Therefore, it has been classified as a Variant of Uncertain Significance.